The following is an entry in ClinVar:

NM_001134363.3(RBM20):c.1939T>C (p.Ser647Pro)

Gene: RBM20 (RNA binding motif protein 20; plus strand). Cytogenetic location: 10q25.2.
Variant type: single nucleotide variant.
Coding change: c.1939T>C on transcript NM_001134363.3 (MANE Select); coding-DNA position 1939, T replaced by C.
Protein change: p.Ser647Pro; replaces serine 647 with proline.
Molecular consequence: missense variant.
Genome position (GRCh38, 1-based): chr10:110,812,336, T>C. VCF-style: chr10-110812336-T-C. GRCh37 (hg19) VCF-style: chr10-112572094-T-C.
Other names: short protein forms S647P.
Identifiers: ClinVar variation 4151591 (VCV004151591.1).

ClinVar aggregate classification (germline): Uncertain significance (1 of 4 stars; one submission).

Conditions:
Cardiovascular phenotype. Identifiers: MedGen CN230736.

Submission:

Ambry Genetics
Classification: Uncertain significance for Cardiovascular phenotype. Last evaluated: 2025-07-09. Review status: criteria provided, single submitter. Criteria: Ambry Variant Classification Scheme 2023. Collection method: clinical testing. Allele origin: germline.
Comment: The p.S647P variant (also known as c.1939T>C), located in coding exon 9 of the RBM20 gene, results from a T to C substitution at nucleotide position 1939. The serine at codon 647 is replaced by proline, an amino acid with similar properties. This amino acid position is conserved. In addition, this alteration is predicted to be deleterious by in silico analysis. Based on the available evidence, the clinical significance of this variant remains unclear.